The following is an entry in ClinVar:

NM_001172509.2(SATB2):c.1346C>T (p.Ser449Phe)

Gene: SATB2 (SATB homeobox 2; minus strand). Cytogenetic location: 2q33.1.
Variant type: single nucleotide variant.
Coding change: c.1346C>T on transcript NM_001172509.2 (MANE Select); coding-DNA position 1346, C replaced by T.
Protein change: p.Ser449Phe; replaces serine 449 with phenylalanine.
Molecular consequence: missense variant.
Genome position (GRCh38, 1-based): chr2:199,328,738, G>A on the plus strand (C>T on the coding strand, the complement: SATB2 is on the minus strand). VCF-style: chr2-199328738-G-A. GRCh37 (hg19) VCF-style: chr2-200193461-G-A.
Other names: c.1346C>T, p.Ser449Phe (NM_001172517.1, NM_015265.4); short protein forms S449F.
Identifiers: ClinVar variation 1062696 (VCV001062696.10), dbSNP rs1323623166, ClinGen allele CA350386210.

ClinVar aggregate classification (germline): Conflicting classifications of pathogenicity. Review status: criteria provided, conflicting classifications (1 of 4 stars). 2 submissions from 2 submitters: Uncertain significance (1); Benign (1). Last evaluated 2022-02-04.

Conditions:
Chromosome 2q32-q33 deletion syndrome (GLASS). Also called: Glass syndrome; 2q33.1 deletion syndrome. Identifiers: Orphanet 251019, MedGen C2676739, MONDO:0012864, OMIM 612313.

Submissions (2):

Labcorp Genetics (formerly Invitae), Labcorp
Classification: Benign for Chromosome 2q32-q33 deletion syndrome. Last evaluated: 2022-02-04. Review status: criteria provided, single submitter. Criteria: Invitae Variant Classification Sherloc (09022015). Collection method: clinical testing. Allele origin: germline.

GeneDx
Classification: Uncertain significance. Last evaluated: 2020-02-05. Review status: criteria provided, single submitter. Criteria: GeneDx Variant Classification Process June 2021. Collection method: clinical testing. Allele origin: germline. Affected: yes.
Comment: Not observed in large population cohorts (Lek et al., 2016); In silico analysis supports that this missense variant has a deleterious effect on protein structure/function; Has not been previously published as pathogenic or benign to our knowledge